The following is an entry in ClinVar:

ClinVar aggregate classification (germline): Likely benign (1 of 4 stars; one submission).

Allele frequency attached by ClinVar (database versions not stated): 1000 Genomes Project 30x 0.00078; 1000 Genomes Project 0.00080; gnomAD 0.00264; TOPMed 0.00265; ExAC 0.00266; ESP Exome Variant Server 0.00315; gnomAD exomes 0.00375.
gnomAD v4.1: 5,829 of 1,614,026 alleles (0.36%); highest among the groups gnomAD compares: Non-Finnish European, 0.46%; 16 homozygotes.

Submission:

CeGaT Center for Human Genetics Tuebingen
Classification: Likely benign. Last evaluated: 2023-02-01. Review status: criteria provided, single submitter. Criteria: CeGaT Center For Human Genetics Tuebingen Variant Classification Criteria Version 2. Collection method: clinical testing. Allele origin: germline. Affected: yes. Observed: 1 variant allele.
Comment: NT5DC2: BP4, BP7

NM_001134231.2(NT5DC2):c.483C>T (p.Asp161=)

Gene: NT5DC2 (5'-nucleotidase domain containing 2; minus strand). Cytogenetic location: 3p21.1.
Variant type: single nucleotide variant.
Coding change: c.483C>T on transcript NM_001134231.2 (MANE Select); coding-DNA position 483, C replaced by T.
Protein change: p.Asp161=; no amino-acid change (aspartic acid 161 retained).
Molecular consequence: synonymous variant.
Genome position (GRCh38, 1-based): chr3:52,528,870, G>A on the plus strand (C>T on the coding strand, the complement: NT5DC2 is on the minus strand). VCF-style: chr3-52528870-G-A. GRCh37 (hg19) VCF-style: chr3-52562886-G-A.
Other names: c.372C>T, p.Asp124= (NM_022908.3).
Identifiers: ClinVar variation 2653898 (VCV002653898.24), dbSNP rs139119664, ClinGen allele CA2443648.